The following is an entry in ClinVar:

NM_031433.4(MFRP):c.443T>C (p.Leu148Pro)

Genes: C1QTNF5 (C1q and TNF related 5; minus strand), MFRP (membrane frizzled-related protein; minus strand). Cytogenetic location: 11q23.3.
Variant type: single nucleotide variant.
Coding change: c.443T>C on transcript NM_031433.4 (MANE Select); coding-DNA position 443, T replaced by C.
Protein change: p.Leu148Pro; replaces leucine 148 with proline.
Molecular consequence: missense variant. On other transcripts: 5 prime UTR variant (1).
Genome position (GRCh38, 1-based): chr11:119,345,618, A>G on the plus strand (T>C on the coding strand, the complement: MFRP is on the minus strand). VCF-style: chr11-119345618-A-G. GRCh37 (hg19) VCF-style: chr11-119216328-A-G.
Other names: c.-2194T>C (NM_015645.5); short protein forms L148P.
Identifiers: ClinVar variation 1716113 (VCV001716113.6), dbSNP rs771679553, ClinGen allele CA382978569.

ClinVar aggregate classification (germline): Uncertain significance (1 of 4 stars; one submission).

Conditions:
Isolated microphthalmia 5. Also called: Posterior Microphthalmia with Retinitis Pigmentosa, Foveoschisis, and Optic Disc Drusen. Identifiers: Orphanet 251279, MedGen C1970236, MONDO:0012605, OMIM 611040.

Submission:

Labcorp Genetics (formerly Invitae), Labcorp
Classification: Uncertain significance for Isolated microphthalmia 5. Last evaluated: 2024-02-24. Review status: criteria provided, single submitter. Criteria: Invitae Variant Classification Sherloc (09022015). Collection method: clinical testing. Allele origin: germline.
Comment: This sequence change replaces leucine, which is neutral and non-polar, with proline, which is neutral and non-polar, at codon 148 of the MFRP protein (p.Leu148Pro). This variant is not present in population databases (gnomAD no frequency). This variant has not been reported in the literature in individuals affected with MFRP-related conditions. ClinVar contains an entry for this variant (Variation ID: 1716113). Advanced modeling of protein sequence and biophysical properties (such as structural, functional, and spatial information, amino acid conservation, physicochemical variation, residue mobility, and thermodynamic stability) performed at Invitae indicates that this missense variant is expected to disrupt MFRP protein function with a positive predictive value of 80%. In summary, the available evidence is currently insufficient to determine the role of this variant in disease. Therefore, it has been classified as a Variant of Uncertain Significance.